The following is an entry in ClinVar:

ClinVar aggregate classification (germline): Uncertain significance. Review status: criteria provided, single submitter (1 of 4 stars). 2 submissions from 2 submitters: Uncertain significance (1). 1 of the submissions does not count toward it. Last evaluated 2020-01-03.

Conditions:
Hereditary cancer-predisposing syndrome. Also called: Tumor predisposition; Hereditary Cancer Syndrome; Neoplastic Syndromes, Hereditary; Hereditary neoplastic syndrome. Identifiers: Orphanet 140162, MedGen C0027672, MeSH D009386, MONDO:0015356.
Breast-ovarian cancer, familial, susceptibility to, 2 (BROVCA2). Also called: BRCA2 Hereditary Breast and Ovarian Cancer. Identifiers: Orphanet 145, MedGen C2675520, MONDO:0012933, OMIM 612555. Disease mechanism: loss of function.

Submissions (2):

Ambry Genetics
Classification: Uncertain significance for Hereditary cancer-predisposing syndrome. Last evaluated: 2020-01-03. Review status: criteria provided, single submitter. Criteria: Ambry Variant Classification Scheme 2023. Collection method: clinical testing. Allele origin: germline.
Comment: The p.D3272H variant (also known as c.9814G>C), located in coding exon 26 of the BRCA2 gene, results from a G to C substitution at nucleotide position 9814. The aspartic acid at codon 3272 is replaced by histidine, an amino acid with similar properties. This amino acid position is highly conserved in available vertebrate species. In addition, the in silico prediction for this alteration is inconclusive. Since supporting evidence is limited at this time, the clinical significance of this alteration remains unclear.

Sharing Clinical Reports Project (SCRP)
Classification: Uncertain significance for Breast-ovarian cancer, familial 2. Last evaluated: 2008-11-25. Review status: no assertion criteria provided. Collection method: clinical testing. Allele origin: germline. Not counted in ClinVar's aggregate classification.

NM_000059.4(BRCA2):c.9814G>C (p.Asp3272His)

Gene: BRCA2 (BRCA2 DNA repair associated; plus strand). Cytogenetic location: 13q13.1.
Variant type: single nucleotide variant.
Coding change: c.9814G>C on transcript NM_000059.4 (MANE Select); coding-DNA position 9814, G replaced by C.
Protein change: p.Asp3272His; replaces aspartic acid 3272 with histidine.
Molecular consequence: missense variant.
Genome position (GRCh38, 1-based): chr13:32,398,327, G>C. VCF-style: chr13-32398327-G-C. GRCh37 (hg19) VCF-style: chr13-32972464-G-C.
Other names: D3272H; 10042G>C; c.9718G>C, p.Asp3240His (NM_001406719.1); c.9763G>C, p.Asp3255His (NM_001406720.1); c.4882G>C, p.Asp1628His (NM_001406721.1); c.3397G>C, p.Asp1133His (NM_001406722.1); short protein forms D1133H, D1628H, D3240H, D3255H.
Identifiers: ClinVar variation 252861 (VCV000252861.4), dbSNP rs879255474, ClinGen allele CA10586091.